The following is an entry in ClinVar:

NM_013447.4(ADGRE2):c.947G>A (p.Gly316Glu)

Gene: ADGRE2 (adhesion G protein-coupled receptor E2; minus strand). Cytogenetic location: 19p13.12.
Variant type: single nucleotide variant.
Coding change: c.947G>A on transcript NM_013447.4 (MANE Select); coding-DNA position 947, G replaced by A.
Protein change: p.Gly316Glu; replaces glycine 316 with glutamic acid.
Molecular consequence: missense variant.
Genome position (GRCh38, 1-based): chr19:14,764,570, C>T on the plus strand (G>A on the coding strand, the complement: ADGRE2 is on the minus strand). VCF-style: chr19-14764570-C-T. GRCh37 (hg19) VCF-style: chr19-14875382-C-T.
Other names: c.947G>A, p.Gly316Glu (NM_001271052.1); c.800G>A, p.Gly267Glu (NM_152916.2); c.668G>A, p.Gly223Glu (NM_152917.2); short protein forms G316E, G223E, G267E.
Identifiers: ClinVar variation 3729579 (VCV003729579.2).
Genomic context (GRCh38, chr19:14,764,570, plus strand): 5'-CCATCCAGCAGGTGACTGGCCACACAGTGCTGCTGTAAGCGGGGCAGGGTCTCCAGGTCC[C>T]CAGGGGCCTCCAGCAGCTCATCCAGCGCCTGTAAGATGCTCTGGAGGGATGTGGACACAG-3'
Protein context (NP_038475.2, residues 306-326): QALDELLEAP[Gly316Glu]DLETLPRLQQ

ClinVar aggregate classification (germline): Uncertain significance (1 of 4 stars; one submission).

Submission:

Labcorp Genetics (formerly Invitae), Labcorp
Classification: Uncertain significance. Last evaluated: 2025-01-25. Review status: criteria provided, single submitter. Criteria: Invitae Variant Classification Sherloc (09022015). Collection method: clinical testing. Allele origin: germline.
Comment: This sequence change replaces glycine, which is neutral and non-polar, with glutamic acid, which is acidic and polar, at codon 316 of the ADGRE2 protein (p.Gly316Glu). This variant is not present in population databases (gnomAD no frequency). This variant has not been reported in the literature in individuals affected with ADGRE2-related conditions. An algorithm developed to predict the effect of missense changes on protein structure and function outputs the following: PolyPhen-2: "Benign". The glutamic acid amino acid residue is found in multiple mammalian species, which suggests that this missense change does not adversely affect protein function. In summary, the available evidence is currently insufficient to determine the role of this variant in disease. Therefore, it has been classified as a Variant of Uncertain Significance.